The following is an entry in ClinVar:

NM_023110.3(FGFR1):c.2394_2395del (p.His798fs)

Gene: FGFR1 (fibroblast growth factor receptor 1; minus strand). Cytogenetic location: 8p11.23.
Variant type: Deletion.
Coding change: c.2394_2395del on transcript NM_023110.3 (MANE Select); coding-DNA positions 2394 to 2395, 2 bases deleted (TG; older notation c.2394_2395delTG).
Protein change: p.His798fs; shifts the reading frame from histidine 798.
Molecular consequence: frameshift variant. On other transcripts: intron variant (3).
Genome position (GRCh38, 1-based): chr8:38,413,702-38,413,703, CA deleted on the plus strand (TG on the coding strand, the reverse complement: FGFR1 is on the minus strand). VCF-style (leftmost placement, unchanged base first): chr8-38413701-TCA-T. GRCh37 (hg19) VCF-style: chr8-38271219-TCA-T.
Other names: c.2394_2395delTG, p.His798Glnfs (NM_000604.2); c.2388_2389del, p.His796fs (NM_001174063.2, NM_001174065.2, NM_015850.4); c.2364_2365del, p.His788fs (NM_001174064.2); c.2127_2128del, p.His709fs (NM_001174066.2, NM_023105.3); c.2487_2488del, p.His829fs (NM_001174067.2); c.2115_2116del, p.His705fs (NM_001354368.2); c.2382_2383delTG, p.His794Glnfs (NM_001410922.1); c.2121_2122del, p.His707fs (NM_023106.3); and 3 more; short protein forms H705fs, H788fs, H798fs, H707fs, H796fs, H709fs, H829fs.
Identifiers: ClinVar variation 2127050 (VCV002127050.4), dbSNP rs2536759495, ClinGen allele CA2580078244.

ClinVar aggregate classification (germline): Uncertain significance (1 of 4 stars; one submission).

Conditions:
Hypogonadotropic hypogonadism 2 with or without anosmia (HH2). Also called: HYPOGONADOTROPIC HYPOGONADISM 2 WITHOUT ANOSMIA; HYPOGONADOTROPIC HYPOGONADISM 2 WITH OR WITHOUT ANOSMIA, SUSCEPTIBILITY TO; HYPOGONADOTROPIC HYPOGONADISM 2 WITHOUT ANOSMIA, SUSCEPTIBILITY TO; FGFR1-Related GnRH Deficiency (Kallmann Syndrome 2). Identifiers: Orphanet 478, MedGen C1563720, MONDO:0007844, OMIM 147950. Disease mechanism: loss of function.
Pfeiffer syndrome (ACS5). Also called: ACS V. Identifiers: Orphanet 710, MedGen C0220658, MONDO:0007043, OMIM 101600.

Submission:

Labcorp Genetics (formerly Invitae), Labcorp
Classification: Uncertain significance for Pfeiffer syndrome; Hypogonadotropic hypogonadism 2 with or without anosmia. Last evaluated: 2024-01-24. Review status: criteria provided, single submitter. Criteria: Invitae Variant Classification Sherloc (09022015). Collection method: clinical testing. Allele origin: germline.
Comment: This sequence change results in a frameshift in the FGFR1 gene (p.His798Glnfs*187). While this is not anticipated to result in nonsense mediated decay, it is expected to disrupt the last 25 amino acid(s) of the FGFR1 protein and extend the protein by 161 additional amino acid residues. This variant is not present in population databases (gnomAD no frequency). This variant has not been reported in the literature in individuals affected with FGFR1-related conditions. ClinVar contains an entry for this variant (Variation ID: 2127050). Experimental studies and prediction algorithms are not available or were not evaluated, and the functional significance of this variant is currently unknown. This variant results in an extension of the FGFR1 protein. Other variant(s) that result in a similarly extended protein product (p.Arg852Thrfs*165) have been observed in individuals with FGFR1-related disease (PMID: 31605817). This suggests that these extensions may be clinically significant. In summary, the available evidence is currently insufficient to determine the role of this variant in disease. Therefore, it has been classified as a Variant of Uncertain Significance.

Literature cited by the submitters: PubMed 31605817.